The following is an entry in ClinVar:

NM_001378457.1(DMXL2):c.3579G>A (p.Met1193Ile)

Gene: DMXL2 (Dmx like 2; minus strand). Cytogenetic location: 15q21.2.
Variant type: single nucleotide variant.
Coding change: c.3579G>A on transcript NM_001378457.1 (MANE Select); coding-DNA position 3579, G replaced by A.
Protein change: p.Met1193Ile; replaces methionine 1193 with isoleucine.
Molecular consequence: missense variant. On other transcripts: non-coding transcript variant (2), intron variant (2).
Genome position (GRCh38, 1-based): chr15:51,499,645, C>T on the plus strand (G>A on the coding strand, the complement: DMXL2 is on the minus strand). VCF-style: chr15-51499645-C-T. GRCh37 (hg19) VCF-style: chr15-51791842-C-T.
Other names: c.3579G>A, p.Met1193Ile (NM_001174116.3, NM_001378458.1, NM_001378459.1 and 4 more transcripts); c.3339G>A, p.Met1113Ile (NM_001378464.1); c.2764+7489G>A (NM_001378460.1); c.2765-4511G>A (NM_001174117.3); short protein forms M1113I, M1193I.
Identifiers: ClinVar variation 2093169 (VCV002093169.4), dbSNP rs1308907038, ClinGen allele CA392435295.

ClinVar aggregate classification (germline): Uncertain significance (1 of 4 stars; one submission).

Submission:

Labcorp Genetics (formerly Invitae), Labcorp
Classification: Uncertain significance. Last evaluated: 2022-02-17. Review status: criteria provided, single submitter. Criteria: Invitae Variant Classification Sherloc (09022015). Collection method: clinical testing. Allele origin: germline.
Comment: Algorithms developed to predict the effect of missense changes on protein structure and function are either unavailable or do not agree on the potential impact of this missense change (SIFT: "Tolerated"; PolyPhen-2: "Probably Damaging"; Align-GVGD: "Class C0"). This variant has not been reported in the literature in individuals affected with DMXL2-related conditions. This variant is not present in population databases (gnomAD no frequency). This sequence change replaces methionine, which is neutral and non-polar, with isoleucine, which is neutral and non-polar, at codon 1193 of the DMXL2 protein (p.Met1193Ile). Algorithms developed to predict the effect of sequence changes on RNA splicing suggest that this variant is not likely to affect RNA splicing. In summary, the available evidence is currently insufficient to determine the role of this variant in disease. Therefore, it has been classified as a Variant of Uncertain Significance.